The following is an entry in ClinVar:

NM_001035.3(RYR2):c.350A>G (p.His117Arg)

Gene: RYR2 (ryanodine receptor 2; plus strand). Cytogenetic location: 1q43.
Variant type: single nucleotide variant.
Coding change: c.350A>G on transcript NM_001035.3 (MANE Select); coding-DNA position 350, A replaced by G.
Protein change: p.His117Arg; replaces histidine 117 with arginine.
Molecular consequence: missense variant.
Genome position (GRCh38, 1-based): chr1:237,369,574, A>G. VCF-style: chr1-237369574-A-G. GRCh37 (hg19) VCF-style: chr1-237532874-A-G.
Other names: short protein forms H117R.
Identifiers: ClinVar variation 2422064 (VCV002422064.6), dbSNP rs1572014733, ClinGen allele CA345654991.
Genomic context (GRCh38, chr1:237,369,574, plus strand): 5'-TTTTTCTCTTCTCTCTAAAGACTGCTCAAGGTGGTGGTCATCGAACACTCCTCTACGGAC[A>G]TGCCATATTGCTGCGCCATTCCTATAGTGGCATGGTGAGTAGGCATTTGATTTCATCTCC-3'
Protein context (NP_001026.2, residues 107-127): GGGHRTLLYG[His117Arg]AILLRHSYSG

ClinVar aggregate classification (germline): Uncertain significance (1 of 4 stars; one submission).

Conditions:
Catecholaminergic polymorphic ventricular tachycardia 1. Also called: VENTRICULAR TACHYCARDIA, CATECHOLAMINERGIC POLYMORPHIC, 1, WITH OR WITHOUT ATRIAL DYSFUNCTION AND/OR DILATED CARDIOMYOPATHY; VENTRICULAR TACHYCARDIA, STRESS-INDUCED POLYMORPHIC 1; RYR2-Related Catecholaminergic Polymorphic Ventricular Tachycardia. Identifiers: Orphanet 3286, MedGen C1631597, MONDO:0011484, OMIM 604772.

Allele frequency attached by ClinVar (database versions not stated): gnomAD exomes below 0.00001.
gnomAD v4.1: 1 of 1,565,286 alleles (0.000064%); highest among the groups gnomAD compares: Non-Finnish European, 0.000087%; no homozygotes.

Submission:

Labcorp Genetics (formerly Invitae), Labcorp
Classification: Uncertain significance for Catecholaminergic polymorphic ventricular tachycardia 1. Last evaluated: 2022-05-05. Review status: criteria provided, single submitter. Criteria: Invitae Variant Classification Sherloc (09022015). Collection method: clinical testing. Allele origin: germline.
Comment: This sequence change replaces histidine, which is basic and polar, with arginine, which is basic and polar, at codon 117 of the RYR2 protein (p.His117Arg). In summary, the available evidence is currently insufficient to determine the role of this variant in disease. Therefore, it has been classified as a Variant of Uncertain Significance. Advanced modeling of protein sequence and biophysical properties (such as structural, functional, and spatial information, amino acid conservation, physicochemical variation, residue mobility, and thermodynamic stability) performed at Invitae indicates that this missense variant is expected to disrupt RYR2 protein function. This variant has not been reported in the literature in individuals affected with RYR2-related conditions. This variant is not present in population databases (gnomAD no frequency).